The following is an entry in ClinVar:

NM_005896.4(IDH1):c.52A>G (p.Met18Val)

Gene: IDH1 (isocitrate dehydrogenase (NADP(+)) 1; minus strand). Cytogenetic location: 2q34.
Variant type: single nucleotide variant.
Coding change: c.52A>G on transcript NM_005896.4 (MANE Select); coding-DNA position 52, A replaced by G.
Protein change: p.Met18Val; replaces methionine 18 with valine.
Molecular consequence: missense variant.
Genome position (GRCh38, 1-based): chr2:208,251,500, T>C on the plus strand (A>G on the coding strand, the complement: IDH1 is on the minus strand). VCF-style: chr2-208251500-T-C. GRCh37 (hg19) VCF-style: chr2-209116224-T-C.
Other names: c.52A>G, p.Met18Val (NM_001282386.1, NM_001282387.1); short protein forms M18V.
Identifiers: ClinVar variation 1746687 (VCV001746687.2), dbSNP rs1688123040, ClinGen allele CA350103103.

ClinVar aggregate classification (germline): Uncertain significance (1 of 4 stars; one submission).

Allele frequency attached by ClinVar (database versions not stated): gnomAD exomes below 0.00001; gnomAD 0.00001; TOPMed 0.00001.

Submission:

Ambry Genetics
Classification: Uncertain significance. Last evaluated: 2022-10-03. Review status: criteria provided, single submitter. Criteria: Ambry Variant Classification Scheme 2023. Collection method: clinical testing. Allele origin: germline.
Comment: The p.M18V variant (also known as c.52A>G), located in coding exon 1 of the IDH1 gene, results from an A to G substitution at nucleotide position 52. The methionine at codon 18 is replaced by valine, an amino acid with highly similar properties. This amino acid position is conserved. In addition, the in silico prediction for this alteration is inconclusive. Since supporting evidence is limited at this time, the clinical significance of this alteration remains unclear.